The following is an entry in ClinVar:

ClinVar aggregate classification (germline): Uncertain significance. Review status: criteria provided, multiple submitters, no conflicts (2 of 4 stars). 2 submissions from 2 submitters: Uncertain significance (2). Last evaluated 2023-01-13.

Conditions:
PKD1-related disorder. Also called: PKD1-related condition.
Polycystic kidney disease, adult type (PKD1). Also called: POLYCYSTIC KIDNEY DISEASE 1 WITH OR WITHOUT POLYCYSTIC LIVER DISEASE; Polycystic Kidney Disease 1, Autosomal Dominant; Polycystic kidney disease 1; Polycystic kidney disease 1, severe; Polycystic Kidney, Autosomal Dominant; POLYCYSTIC KIDNEY DISEASE, ADULT, TYPE I. Identifiers: MedGen C3149841, MONDO:0008263, OMIM 173900.

gnomAD v4.1: 2 of 1,612,642 alleles (0.00012%); highest among the groups gnomAD compares: Non-Finnish European, 0.00017%; no homozygotes.

Submissions (2):

PreventionGenetics, part of Exact Sciences
Classification: Uncertain significance for PKD1-related condition. Last evaluated: 2023-01-13. Review status: criteria provided, single submitter. Criteria: ACMG Guidelines, 2015. Collection method: clinical testing. Allele origin: germline.
Comment: The PKD1 c.12067C>G variant is predicted to result in the amino acid substitution p.Leu4023Val. To our knowledge, this variant has not been reported in the literature. This variant is reported in 0.00091% of alleles in individuals of European (Non-Finnish) descent in gnomAD. At this time, the clinical significance of this variant is uncertain due to the absence of conclusive functional and genetic evidence.

Department of Pathology and Laboratory Medicine, Sinai Health System
Classification: Uncertain significance for Polycystic kidney disease, adult type. Last evaluated: 2022-12-01. Review status: criteria provided, single submitter. Criteria: ACMG Guidelines, 2015. Collection method: clinical testing. Allele origin: germline. Affected: yes.

NM_001009944.3(PKD1):c.12067C>G (p.Leu4023Val)

Gene: PKD1 (polycystin 1, transient receptor potential channel interacting; minus strand). Cytogenetic location: 16p13.3.
Variant type: single nucleotide variant.
Coding change: c.12067C>G on transcript NM_001009944.3 (MANE Select); coding-DNA position 12067, C replaced by G.
Protein change: p.Leu4023Val; replaces leucine 4023 with valine.
Molecular consequence: missense variant.
Genome position (GRCh38, 1-based): chr16:2,090,745, G>C on the plus strand (C>G on the coding strand, the complement: PKD1 is on the minus strand). VCF-style: chr16-2090745-G-C. GRCh37 (hg19) VCF-style: chr16-2140746-G-C.
Other names: c.12064C>G, p.Leu4022Val (NM_000296.4); short protein forms L4022V, L4023V.
Identifiers: ClinVar variation 2630081 (VCV002630081.2), dbSNP rs746392681, ClinGen allele CA7828849.
Genomic context (GRCh38, chr16:2,090,745, plus strand): 5'-GCTGGGCGTAGGCTACCCCGAGCACCACCAGGCCCAAGGTGACCCCCAGGAGCTCTGGCA[G>C]AGCTCGGCATAATGTCTTGCCAAAGACGGACCACTGGCGCACGAAGCGTAGCTGCTGGGC-3'
Protein context (NP_001009944.3, residues 4013-4033): SVFGKTLCRA[Leu4023Val]PELLGVTLGL